The following is an entry in ClinVar:

ClinVar aggregate classification (germline): Uncertain significance (1 of 4 stars; one submission).

Submission:

Labcorp Genetics (formerly Invitae), Labcorp
Classification: Uncertain significance. Last evaluated: 2025-10-29. Review status: criteria provided, single submitter. Criteria: Invitae Variant Classification Sherloc (09022015). Collection method: clinical testing. Allele origin: germline.
Comment: This sequence change replaces proline, which is neutral and non-polar, with threonine, which is neutral and polar, at codon 1038 of the C5 protein (p.Pro1038Thr). This variant is not present in population databases (gnomAD no frequency). This variant has not been reported in the literature in individuals affected with C5-related conditions. Invitae Evidence Modeling of protein sequence and biophysical properties (such as structural, functional, and spatial information, amino acid conservation, physicochemical variation, residue mobility, and thermodynamic stability) indicates that this missense variant is not expected to disrupt C5 protein function with a negative predictive value of 80%. In summary, the available evidence is currently insufficient to determine the role of this variant in disease. Therefore, it has been classified as a Variant of Uncertain Significance.

NM_001735.3(C5):c.3112C>A (p.Pro1038Thr)

Gene: C5 (complement C5; minus strand). Cytogenetic location: 9q33.2.
Variant type: single nucleotide variant.
Coding change: c.3112C>A on transcript NM_001735.3 (MANE Select); coding-DNA position 3112, C replaced by A.
Protein change: p.Pro1038Thr; replaces proline 1038 with threonine.
Molecular consequence: missense variant.
Genome position (GRCh38, 1-based): chr9:120,989,610, G>T on the plus strand (C>A on the coding strand, the complement: C5 is on the minus strand). VCF-style: chr9-120989610-G-T. GRCh37 (hg19) VCF-style: chr9-123751888-G-T.
Other names: c.3130C>A, p.Pro1044Thr (NM_001317163.2); short protein forms P1038T, P1044T.
Identifiers: ClinVar variation 4810855 (VCV004810855.1).